The following is an entry in ClinVar:

ClinVar aggregate classification (germline): Uncertain significance. Review status: criteria provided, multiple submitters, no conflicts (2 of 4 stars). 6 submissions from 6 submitters: Uncertain significance (5). 1 of the submissions does not count toward it. Last evaluated 2025-04-15.

Conditions:
Spastic paraplegia. Identifiers: MedGen C0037772, HP:0001258.
Inborn genetic diseases. Identifiers: MedGen C0950123, MeSH D030342.
Hereditary spastic paraplegia. Also called: Familial spastic paraparesis. Identifiers: Orphanet 685, MedGen C0037773, MONDO:0019064. Disease mechanism: loss of function.
Charlevoix-Saguenay spastic ataxia (SACS). Also called: AUTOSOMAL RECESSIVE SPASTIC ATAXIA OF CHARLEVOIX-SAGUENAY; SPASTIC ATAXIA 6, AUTOSOMAL RECESSIVE; Spastic ataxia of Charlevoix-Saguenay. Identifiers: Orphanet 98, MedGen C1849140, MONDO:0010041, OMIM 270550.

Allele frequency attached by ClinVar (database versions not stated): TOPMed 0.00002; gnomAD 0.00003.
gnomAD v4.1: 50 of 1,614,080 alleles (0.0031%); highest among the groups gnomAD compares: Middle Eastern, 0.033%; no homozygotes.

Submissions (6):

Ambry Genetics
Classification: Uncertain significance for Inborn genetic diseases. Last evaluated: 2025-04-15. Review status: criteria provided, single submitter. Criteria: Ambry Variant Classification Scheme 2023. Collection method: clinical testing. Allele origin: germline.

Genome-Nilou Lab
Classification: Uncertain significance for Charlevoix-Saguenay spastic ataxia. Last evaluated: 2021-09-05. Review status: criteria provided, single submitter. Criteria: ACMG Guidelines, 2015. Collection method: clinical testing. Allele origin: germline. Affected: no.

Labcorp Genetics (formerly Invitae), Labcorp
Classification: Uncertain significance for Spastic paraplegia. Last evaluated: 2021-08-31. Review status: criteria provided, single submitter. Criteria: Invitae Variant Classification Sherloc (09022015). Collection method: clinical testing. Allele origin: germline.
Comment: This sequence change replaces lysine with asparagine at codon 647 of the SACS protein (p.Lys647Asn). The lysine residue is highly conserved and there is a moderate physicochemical difference between lysine and asparagine. This variant is not present in population databases (ExAC no frequency). This missense change has been observed in individual(s) with clinical features of hereditary spastic paraplegia (Invitae). Algorithms developed to predict the effect of missense changes on protein structure and function are either unavailable or do not agree on the potential impact of this missense change (SIFT: "Deleterious"; PolyPhen-2: "Benign"; Align-GVGD: "Class C0"). In summary, the available evidence is currently insufficient to determine the role of this variant in disease. Therefore, it has been classified as a Variant of Uncertain Significance.

Dubai Health Genomic Medicine Center, Dubai Health
Classification: Uncertain significance for Charlevoix-Saguenay spastic ataxia. Last evaluated: 2021-03-01. Review status: criteria provided, single submitter. Criteria: ACMG Guidelines, 2015. Collection method: clinical testing. Allele origin: germline. Affected: yes.

Genome Diagnostics Laboratory, The Hospital for Sick Children
Classification: Uncertain significance for Hereditary spastic paraplegia. Last evaluated: 2020-01-01. Review status: criteria provided, single submitter. Criteria: ACMG Guidelines, 2015. Collection method: clinical testing. Allele origin: germline. Affected: yes.

Natera, Inc.
Classification: Uncertain significance for Charlevoix-Saguenay type spastic ataxia. Last evaluated: 2020-01-29. Review status: no assertion criteria provided. Collection method: clinical testing. Allele origin: germline. Not counted in ClinVar's aggregate classification.

NM_014363.6(SACS):c.1941G>T (p.Lys647Asn)

Gene: SACS (sacsin molecular chaperone; minus strand). Cytogenetic location: 13q12.12.
Variant type: single nucleotide variant.
Coding change: c.1941G>T on transcript NM_014363.6 (MANE Select); coding-DNA position 1941, G replaced by T.
Protein change: p.Lys647Asn; replaces lysine 647 with asparagine.
Molecular consequence: missense variant.
Genome position (GRCh38, 1-based): chr13:23,354,671, C>A on the plus strand (G>T on the coding strand, the complement: SACS is on the minus strand). VCF-style: chr13-23354671-C-A. GRCh37 (hg19) VCF-style: chr13-23928810-C-A.
Other names: c.1500G>T, p.Lys500Asn (NM_001278055.2); c.1941G>T (NM_014363.5, NM_014363.4); short protein forms K500N, K647N.
Identifiers: ClinVar variation 1058016 (VCV001058016.15), dbSNP rs201021919, ClinGen allele CA246676979.
Genomic context (GRCh38, chr13:23,354,671, plus strand): 5'-CTCCAGCCCAAGCAGCTCACTGTAGGCTTGGTCAGAAAGCACAAATTCTAGAAGGTGAAG[C>A]TTTTCTTCAGCACAGCCCAGGTGTGCACACTTCCGCAGCACCTGCCGCACCCACGCGGGC-3'
Protein context (NP_055178.3, residues 637-657): KCAHLGCAEE[Lys647Asn]LHLLEFVLSD